The following is an entry in ClinVar:

ClinVar aggregate classification (germline): Uncertain significance (1 of 4 stars; one submission).

gnomAD v4.1: 2 of 1,614,202 alleles (0.00012%); highest among the groups gnomAD compares: Non-Finnish European, 0.00017%; no homozygotes.

Submission:

Labcorp Genetics (formerly Invitae), Labcorp
Classification: Uncertain significance. Last evaluated: 2023-08-07. Review status: criteria provided, single submitter. Criteria: Invitae Variant Classification Sherloc (09022015). Collection method: clinical testing. Allele origin: germline.
Comment: In summary, the available evidence is currently insufficient to determine the role of this variant in disease. Therefore, it has been classified as a Variant of Uncertain Significance. An algorithm developed to predict the effect of missense changes on protein structure and function (PolyPhen-2) suggests that this variant is likely to be tolerated. This variant has not been reported in the literature in individuals affected with NPAT-related conditions. This variant is not present in population databases (gnomAD no frequency). This sequence change replaces proline, which is neutral and non-polar, with serine, which is neutral and polar, at codon 896 of the NPAT protein (p.Pro896Ser).

NM_002519.3(NPAT):c.2686C>T (p.Pro896Ser)

Gene: NPAT (nuclear protein, coactivator of histone transcription; minus strand). Cytogenetic location: 11q22.3.
Variant type: single nucleotide variant.
Coding change: c.2686C>T on transcript NM_002519.3 (MANE Select); coding-DNA position 2686, C replaced by T.
Protein change: p.Pro896Ser; replaces proline 896 with serine.
Molecular consequence: missense variant.
Genome position (GRCh38, 1-based): chr11:108,172,298, G>A on the plus strand (C>T on the coding strand, the complement: NPAT is on the minus strand). VCF-style: chr11-108172298-G-A. GRCh37 (hg19) VCF-style: chr11-108043025-G-A.
Other names: c.2686C>T, p.Pro896Ser (NM_001321307.1); short protein forms P896S.
Identifiers: ClinVar variation 2995091 (VCV002995091.3), dbSNP rs924926073, ClinGen allele CA382512449.
Genomic context (GRCh38, chr11:108,172,298, plus strand): 5'-ATACACTGTTTGACCTTGGTGGTGTCTGTAACTGAGGTGGTAGAGGTTGAGCAGTCATAG[G>A]TGCAGAATTTCCAGGCAACACCACTACATTAGACTGACTTACAGATGTTCCTAACGCTGT-3'
Protein context (NP_002510.2, residues 886-906): NVVVLPGNSA[Pro896Ser]MTAQPLPPQL